The following is an entry in ClinVar:

NM_007289.4(MME):c.197-3C>T

Gene: MME (membrane metalloendopeptidase; plus strand). Cytogenetic location: 3q25.2.
Variant type: single nucleotide variant.
Coding change: c.197-3C>T on transcript NM_007289.4 (MANE Select); 3 bases into the intron before coding-DNA position 197, C replaced by T.
Molecular consequence: intron variant.
Genome position (GRCh38, 1-based): chr3:155,114,991, C>T. VCF-style: chr3-155114991-C-T. GRCh37 (hg19) VCF-style: chr3-154832780-C-T.
Other names: c.197-3C>T (NM_001354642.2, NM_000902.5, NM_007287.4 and 2 more transcripts).
Identifiers: ClinVar variation 2573557 (VCV002573557.22), dbSNP rs1274566455, ClinGen allele CA1055202775.

ClinVar aggregate classification (germline): Uncertain significance. Review status: criteria provided, multiple submitters, no conflicts (2 of 4 stars). 2 submissions from 2 submitters: Uncertain significance (2). Last evaluated 2024-03-01.

Allele frequency attached by ClinVar (database versions not stated): gnomAD exomes below 0.00001.
gnomAD v4.1: 3 of 1,613,824 alleles (0.00019%); highest among the groups gnomAD compares: Non-Finnish European, 0.00025%; no homozygotes.

Submissions (2):

CeGaT Center for Human Genetics Tuebingen
Classification: Uncertain significance. Last evaluated: 2024-03-01. Review status: criteria provided, single submitter. Criteria: CeGaT Center For Human Genetics Tuebingen Variant Classification Criteria Version 2. Collection method: clinical testing. Allele origin: germline. Affected: yes. Observed: 1 variant allele.
Comment: MME: PM2, BP4

Women's Health and Genetics/Laboratory Corporation of America, LabCorp
Classification: Uncertain significance. Last evaluated: 2023-06-23. Review status: criteria provided, single submitter. Criteria: LabCorp Variant Classification Summary - May 2015. Collection method: clinical testing. Allele origin: germline.
Comment: Variant summary: MME c.197-3C>T alters a conserved nucleotide located close to a canonical splice site and therefore could affect mRNA splicing, leading to a significantly altered protein sequence. 4/4 computational tools predict no significant impact on normal splicing. However, these predictions have yet to be confirmed by functional studies. The variant was absent in 251352 control chromosomes (gnomAD). The available data on variant occurrences in the general population are insufficient to allow any conclusion about variant significance. To our knowledge, no occurrence of c.197-3C>T in individuals affected with Charcot-Marie Disease Axonal Type 2T and no experimental evidence demonstrating its impact on protein function have been reported. No submitters have cited clinical-significance assessments for this variant to ClinVar after 2014. Based on the evidence outlined above, the variant was classified as uncertain significance.